The following is an entry in ClinVar:

ClinVar aggregate classification (germline): Conflicting classifications of pathogenicity. Review status: criteria provided, conflicting classifications (1 of 4 stars). 3 submissions from 3 submitters: Uncertain significance (1); Likely benign (2). Last evaluated 2024-12-21.

Conditions:
ANKLE2-related disorder. Also called: ANKLE2-related condition.

Allele frequency attached by ClinVar (database versions not stated): gnomAD 0.00082 and 0.00081; TOPMed 0.00088; ESP Exome Variant Server 0.00049; gnomAD exomes 0.00072; ExAC 0.00076; 1000 Genomes Project 30x 0.00078; 1000 Genomes Project 0.00080.
gnomAD v4.1: 1,225 of 1,614,076 alleles (0.076%); highest among the groups gnomAD compares: Admixed American, 0.25%; 3 homozygotes.

Submissions (3):

PreventionGenetics, part of Exact Sciences
Classification: Likely benign for ANKLE2-related condition. Last evaluated: 2024-12-21. Review status: criteria provided, single submitter. Criteria: ACMG Guidelines, 2015. Collection method: clinical testing. Allele origin: germline.
Comment: This variant is classified as likely benign based on ACMG/AMP sequence variant interpretation guidelines (Richards et al. 2015 PMID: 25741868, with internal and published modifications).

GeneDx
Classification: Uncertain significance. Last evaluated: 2023-06-20. Review status: criteria provided, single submitter. Criteria: GeneDx Variant Classification Process June 2021. Collection method: clinical testing. Allele origin: germline. Affected: yes.
Comment: In silico analysis supports that this missense variant has a deleterious effect on protein structure/function; Has not been previously published as pathogenic or benign to our knowledge

Labcorp Genetics (formerly Invitae), Labcorp
Classification: Likely benign. Last evaluated: 2019-12-31. Review status: criteria provided, single submitter. Criteria: Invitae Variant Classification Sherloc (09022015). Collection method: clinical testing. Allele origin: germline.

NM_015114.3(ANKLE2):c.530C>T (p.Ser177Leu)

Gene: ANKLE2 (ankyrin repeat and LEM domain containing 2; minus strand). Cytogenetic location: 12q24.33.
Variant type: single nucleotide variant.
Coding change: c.530C>T on transcript NM_015114.3 (MANE Select); coding-DNA position 530, C replaced by T.
Protein change: p.Ser177Leu; replaces serine 177 with leucine.
Molecular consequence: missense variant.
Genome position (GRCh38, 1-based): chr12:132,754,785, G>A on the plus strand (C>T on the coding strand, the complement: ANKLE2 is on the minus strand). VCF-style: chr12-132754785-G-A. GRCh37 (hg19) VCF-style: chr12-133331371-G-A.
Other names: short protein forms S177L.
Identifiers: ClinVar variation 791426 (VCV000791426.9), dbSNP rs185977448, ClinGen allele CA6895960.